The following is an entry in ClinVar:

ClinVar aggregate classification (germline): Likely benign. Review status: criteria provided, multiple submitters, no conflicts (2 of 4 stars). 4 submissions from 4 submitters: Likely benign (3). 1 of the submissions does not count toward it. Last evaluated 2025-11-11.

Conditions:
Cardiomyopathy (CMYO). Also called: Cardiomyopathies. Identifiers: Orphanet 167848, MedGen C0878544, MONDO:0004994, HP:0001638. Inheritance: Various modes of inheritance.
Dystrophin deficiency.
Becker muscular dystrophy (BMD). Also called: Becker Muscular Dystrophy (BMD); MUSCULAR DYSTROPHY, PSEUDOHYPERTROPHIC PROGRESSIVE, BECKER TYPE. Identifiers: Orphanet 98895, MedGen C0917713, MONDO:0010311, OMIM 300376.
Duchenne muscular dystrophy (DMD). Also called: MUSCULAR DYSTROPHY, PSEUDOHYPERTROPHIC PROGRESSIVE, DUCHENNE TYPE; Duchenne Muscular Dystrophy (DMD). Identifiers: Orphanet 98896, MedGen C0013264, MONDO:0010679, OMIM 310200.
Cardiovascular phenotype. Identifiers: MedGen CN230736.

Allele frequency attached by ClinVar (database versions not stated): TOPMed below 0.00001; ExAC 0.00001; gnomAD 0.00001; gnomAD exomes 0.00001.
gnomAD v4.1: 11 of 1,208,157 alleles (0.00091%); highest among the groups gnomAD compares: Non-Finnish European, 0.0011%; no homozygotes.

Submissions (4):

Labcorp Genetics (formerly Invitae), Labcorp
Classification: Likely benign for Duchenne muscular dystrophy. Last evaluated: 2025-11-11. Review status: criteria provided, single submitter. Criteria: Invitae Variant Classification Sherloc (09022015). Collection method: clinical testing. Allele origin: germline.

CeGaT Center for Human Genetics Tuebingen
Classification: Likely benign. Last evaluated: 2023-12-01. Review status: criteria provided, single submitter. Criteria: CeGaT Center For Human Genetics Tuebingen Variant Classification Criteria Version 2. Collection method: clinical testing. Allele origin: germline. Affected: yes. Observed: 1 variant allele.
Comment: DMD: PM2:Supporting, BP4, BP7

Ambry Genetics
Classification: Likely benign for Cardiovascular phenotype. Last evaluated: 2023-06-11. Review status: criteria provided, single submitter. Criteria: Ambry Variant Classification Scheme 2023. Collection method: clinical testing. Allele origin: germline.

Natera, Inc.
Classification: Likely benign for Becker muscular dystrophy; Cardiomyopathy; Duchenne muscular dystrophy; Dystrophin deficiency. Last evaluated: 2021-03-12. Review status: no assertion criteria provided. Collection method: clinical testing. Allele origin: germline. Not counted in ClinVar's aggregate classification.

NM_004006.3(DMD):c.10734C>A (p.Ile3578=)

Gene: DMD (dystrophin; minus strand). Cytogenetic location: Xp21.2.
Variant type: single nucleotide variant.
Coding change: c.10734C>A on transcript NM_004006.3 (MANE Select); coding-DNA position 10734, C replaced by A.
Protein change: p.Ile3578=; no amino-acid change (isoleucine 3578 retained).
Molecular consequence: synonymous variant.
Genome position (GRCh38, 1-based): chrX:31,147,338, G>T on the plus strand (C>A on the coding strand, the complement: DMD is on the minus strand). VCF-style: chrX-31147338-G-T. GRCh37 (hg19) VCF-style: chrX-31165455-G-T.
Other names: c.10710C>A, p.Ile3570= (NM_000109.4); c.10722C>A, p.Ile3574= (NM_004009.3); c.10365C>A, p.Ile3455= (NM_004010.3); c.6711C>A, p.Ile2237= (NM_004011.4); c.6702C>A, p.Ile2234= (NM_004012.4); c.3354C>A, p.Ile1118= (NM_004013.3, NM_004021.3); c.2547C>A, p.Ile849= (NM_004014.3); c.1530C>A, p.Ile510= (NM_004015.3, NM_004016.3); and 3 more.
Identifiers: ClinVar variation 756370 (VCV000756370.36), dbSNP rs762374364, ClinGen allele CA10377544.